The following is an entry in ClinVar:

ClinVar aggregate classification (germline): Uncertain significance (1 of 4 stars; one submission).

Allele frequency attached by ClinVar (database versions not stated): gnomAD exomes below 0.00001.
gnomAD v4.1: 2 of 1,614,018 alleles (0.00012%); highest among the groups gnomAD compares: Non-Finnish European, 0.00017%; no homozygotes.

Submission:

Labcorp Genetics (formerly Invitae), Labcorp
Classification: Uncertain significance. Last evaluated: 2023-12-18. Review status: criteria provided, single submitter. Criteria: Invitae Variant Classification Sherloc (09022015). Collection method: clinical testing. Allele origin: germline.
Comment: This sequence change creates a premature translational stop signal (p.Gln213*) in the SLC7A13 gene. It is expected to result in an absent or disrupted protein product. However, the current clinical and genetic evidence is not sufficient to establish whether loss-of-function variants in SLC7A13 cause disease. This variant is not present in population databases (gnomAD no frequency). This variant has not been reported in the literature in individuals affected with SLC7A13-related conditions. In summary, the available evidence is currently insufficient to determine the role of this variant in disease. Therefore, it has been classified as a Variant of Uncertain Significance.

NM_138817.3(SLC7A13):c.637C>T (p.Gln213Ter)

Gene: SLC7A13 (solute carrier family 7 member 13; minus strand). Cytogenetic location: 8q21.3.
Variant type: single nucleotide variant.
Coding change: c.637C>T on transcript NM_138817.3 (MANE Select); coding-DNA position 637, C replaced by T.
Protein change: p.Gln213Ter; replaces glutamine 213 with a stop codon.
Molecular consequence: nonsense.
Genome position (GRCh38, 1-based): chr8:86,229,641, G>A on the plus strand (C>T on the coding strand, the complement: SLC7A13 is on the minus strand). VCF-style: chr8-86229641-G-A. GRCh37 (hg19) VCF-style: chr8-87241870-G-A.
Other names: short protein forms Q213*.
Identifiers: ClinVar variation 2806532 (VCV002806532.3), dbSNP rs2536899823, ClinGen allele CA371434802.